The following is an entry in ClinVar:

ClinVar aggregate classification (germline): Uncertain significance (1 of 4 stars; one submission).

Conditions:
Tuberous sclerosis 2 (TSC2). Identifiers: Orphanet 805, MedGen C1860707, MONDO:0013199, OMIM 613254.

Submission:

Labcorp Genetics (formerly Invitae), Labcorp
Classification: Uncertain significance for Tuberous sclerosis 2. Last evaluated: 2024-06-21. Review status: criteria provided, single submitter. Criteria: Invitae Variant Classification Sherloc (09022015). Collection method: clinical testing. Allele origin: germline.
Comment: This sequence change replaces glutamic acid, which is acidic and polar, with glutamine, which is neutral and polar, at codon 748 of the TSC2 protein (p.Glu748Gln). This variant is not present in population databases (gnomAD no frequency). This variant has not been reported in the literature in individuals affected with TSC2-related conditions. Advanced modeling of protein sequence and biophysical properties (such as structural, functional, and spatial information, amino acid conservation, physicochemical variation, residue mobility, and thermodynamic stability) performed at Invitae indicates that this missense variant is not expected to disrupt TSC2 protein function with a negative predictive value of 95%. In summary, the available evidence is currently insufficient to determine the role of this variant in disease. Therefore, it has been classified as a Variant of Uncertain Significance.

NM_000548.5(TSC2):c.2242G>C (p.Glu748Gln)

Gene: TSC2 (TSC complex subunit 2; plus strand). Cytogenetic location: 16p13.3.
Variant type: single nucleotide variant.
Coding change: c.2242G>C on transcript NM_000548.5 (MANE Select); coding-DNA position 2242, G replaced by C.
Protein change: p.Glu748Gln; replaces glutamic acid 748 with glutamine.
Molecular consequence: missense variant. On other transcripts: non-coding transcript variant (5).
Genome position (GRCh38, 1-based): chr16:2,072,870, G>C. VCF-style: chr16-2072870-G-C. GRCh37 (hg19) VCF-style: chr16-2122871-G-C.
Other names: c.2242G>C, p.Glu748Gln (NM_001406665.1, NM_001077183.3, NM_001114382.3 and 6 more transcripts); c.2332G>C, p.Glu778Gln (NM_001406667.1, NM_001406668.1); c.2131G>C, p.Glu711Gln (NM_001406670.1, NM_001406678.1, NM_001318827.2); c.2230G>C, p.Glu744Gln (NM_001406671.1, NM_001406673.1); c.2095G>C, p.Glu699Gln (NM_001406675.1, NM_001406676.1, NM_001318829.2 and 1 more transcripts); c.2185G>C, p.Glu729Gln (NM_001406677.1); c.1642G>C, p.Glu548Gln (NM_001406688.1, NM_001318831.2, NM_001406680.1 and 6 more transcripts); c.898G>C, p.Glu300Gln (NM_001406689.1, NM_001406690.1, NM_001406691.1 and 6 more transcripts); and 3 more; short protein forms E300Q, E594Q, E214Q, E711Q, E744Q, E548Q, E729Q, E778Q.
Identifiers: ClinVar variation 3637198 (VCV003637198.2).